The following is an entry in ClinVar:

ClinVar aggregate classification (germline): Likely pathogenic (1 of 4 stars; one submission).

Conditions:
Dihydropyrimidine dehydrogenase deficiency (DPYDD). Also called: Hereditary Thymine-Uraciluria; DPD DEFICIENCY; DPYD DEFICIENCY. Identifiers: Orphanet 1675, MedGen C1959620, MONDO:0010130, OMIM 274270.

Allele frequency attached by ClinVar (database versions not stated): gnomAD 0.00001; TOPMed 0.00003.

Submission:

Women's Health and Genetics/Laboratory Corporation of America, LabCorp
Classification: Likely pathogenic for Dihydropyrimidine dehydrogenase deficiency. Last evaluated: 2023-05-12. Review status: criteria provided, single submitter. Criteria: LabCorp Variant Classification Summary - May 2015. Collection method: clinical testing. Allele origin: germline.
Comment: Variant summary: DPYD c.1A>C (p.Met1Leu) alters the initiation codon and is predicted to result either in absence of the protein or truncation of the encoded protein due to translation initiation at a downstream codon. The next downstream putative in-frame start codon (Methionine) is located at p.Met77 in exon 3 of the DPYD gene. The predicted truncated protein loses part of Dihydroprymidine dehydrogenase domain II in N-terminus of the encoded protein. Two of three in-silico tools predict a benign effect of the variant on protein function. The variant was absent in 205912 control chromosomes (gnomAD). To our knowledge, no occurrence of c.1A>C in individuals affected with Dihydropyrimidine Dehydrogenase Deficiency and no experimental evidence demonstrating its impact on protein function have been reported. c.3G>A (p.Met1Ile) is classified likely pathogenic internally and in ClinVar. No clinical diagnostic laboratories have submitted clinical-significance assessments for this variant to ClinVar after 2014. Based on the evidence outlined above, the variant was classified as likely pathogenic.

NM_000110.4(DPYD):c.1A>C (p.Met1Leu)

Genes: DPYD (dihydropyrimidine dehydrogenase; minus strand), LOC129930998 (ATAC-STARR-seq lymphoblastoid silent region 1109; plus strand). Cytogenetic location: 1p21.3.
Variant type: single nucleotide variant.
Coding change: c.1A>C on transcript NM_000110.4 (MANE Select); coding-DNA position 1, A replaced by C.
Protein change: p.Met1Leu; changes the start codon (methionine 1).
Molecular consequence: missense variant, initiator codon variant.
Genome position (GRCh38, 1-based): chr1:97,920,922, T>G on the plus strand (A>C on the coding strand, the complement: DPYD is on the minus strand). VCF-style: chr1-97920922-T-G. GRCh37 (hg19) VCF-style: chr1-98386478-T-G.
Other names: c.1A>C, p.Met1Leu (NM_001160301.1); short protein forms M1L.
Identifiers: ClinVar variation 2506136 (VCV002506136.2), dbSNP rs772950053, ClinGen allele CA963858.
Genomic context (GRCh38, chr1:97,920,922, plus strand): 5'-CGAGCCGGCGCGAAGTCCGTACCTCGATGTCCGCCGAGTCCTTACTGAGCACAGGGGCCA[T>G]GGCAGTGCCTACAGTCTCGAGTCTGCCAGTGACAAACCCTCCTTGCGTCCTCAAGCTCCA-3'
Protein context (NP_000101.2, residues 1-11): [Met1Leu]APVLSKDSAD